The following is an entry in ClinVar:

ClinVar aggregate classification (germline): Benign/Likely benign. Review status: criteria provided, multiple submitters, no conflicts (2 of 4 stars). 3 submissions from 3 submitters: Benign (1); Likely benign (2). Last evaluated 2025-07-31.

Conditions:
Hereditary cancer-predisposing syndrome. Also called: Neoplastic Syndromes, Hereditary; Hereditary Cancer Syndrome; Hereditary neoplastic syndrome; Tumor predisposition. Identifiers: Orphanet 140162, MedGen C0027672, MeSH D009386, MONDO:0015356.
Hereditary diffuse gastric adenocarcinoma (HDGC). Also called: DIFFUSE GASTRIC AND LOBULAR BREAST CANCER SYNDROME. Identifiers: Orphanet 26106, MedGen C1708349, MONDO:0007648, OMIM 137215.

Submissions (3):

Labcorp Genetics (formerly Invitae), Labcorp
Classification: Likely benign. Last evaluated: 2025-07-31. Review status: criteria provided, single submitter. Criteria: Invitae Variant Classification Sherloc (09022015). Collection method: clinical testing. Allele origin: germline.

Myriad Genetics, Inc.
Classification: Benign for Hereditary diffuse gastric adenocarcinoma. Last evaluated: 2024-10-09. Review status: criteria provided, single submitter. Criteria: Myriad Autosomal Dominant, Autosomal Recessive and X-Linked Classification Criteria (2023). Collection method: clinical testing. Allele origin: unknown.
Comment: This variant is considered benign. This variant is a silent/synonymous amino acid change and it is not expected to impact splicing.

Ambry Genetics
Classification: Likely benign for Hereditary cancer-predisposing syndrome. Last evaluated: 2021-11-17. Review status: criteria provided, single submitter. Criteria: Ambry Variant Classification Scheme 2023. Collection method: clinical testing. Allele origin: germline.

NM_001903.5(CTNNA1):c.195T>G (p.Val65=)

Gene: CTNNA1 (catenin alpha 1; plus strand). Cytogenetic location: 5q31.2.
Variant type: single nucleotide variant.
Coding change: c.195T>G on transcript NM_001903.5 (MANE Select); coding-DNA position 195, T replaced by G.
Protein change: p.Val65=; no amino-acid change (valine 65 retained).
Molecular consequence: synonymous variant. On other transcripts: 5 prime UTR variant (1), intron variant (1).
Genome position (GRCh38, 1-based): chr5:138,783,266, T>G. VCF-style: chr5-138783266-T-G. GRCh37 (hg19) VCF-style: chr5-138118955-T-G.
Other names: c.195T>G, p.Val65= (NM_001290307.3, NM_001323982.2, NM_001323983.1 and 3 more transcripts); c.-12T>G (NM_001290310.3); c.-9+1237T>G (NM_001290309.3).
Identifiers: ClinVar variation 1160858 (VCV001160858.12), dbSNP rs2149656485, ClinGen allele CA446725115.